The following is an entry in ClinVar:

ClinVar aggregate classification (germline): Pathogenic/Likely pathogenic. Review status: criteria provided, multiple submitters, no conflicts (2 of 4 stars). 2 submissions from 2 submitters: Pathogenic (1); Likely pathogenic (1). Last evaluated 2025-02-20.

Conditions:
LAMA3-related disorder. Also called: LAMA3-related condition; LAMA3-related disorders.

gnomAD v4.1: 1 of 1,614,226 alleles (0.000062%); highest among the groups gnomAD compares: Non-Finnish European, 0.000085%; no homozygotes.

Submissions (2):

Labcorp Genetics (formerly Invitae), Labcorp
Classification: Pathogenic. Last evaluated: 2025-02-20. Review status: criteria provided, single submitter. Criteria: Invitae Variant Classification Sherloc (09022015). Collection method: clinical testing. Allele origin: germline.
Comment: This sequence change creates a premature translational stop signal (p.Trp14*) in the LAMA3 gene. It is expected to result in an absent or disrupted protein product. Loss-of-function variants in LAMA3 are known to be pathogenic (PMID: 10366601, 11810295, 12915477, 16473856, 17362460, 22434185, 23869449, 27827380, 28087116). This variant is not present in population databases (gnomAD no frequency). This variant has not been reported in the literature in individuals affected with LAMA3-related conditions. For these reasons, this variant has been classified as Pathogenic.

PreventionGenetics, part of Exact Sciences
Classification: Likely pathogenic for LAMA3-related condition. Last evaluated: 2024-11-12. Review status: criteria provided, single submitter. Criteria: ACMG Guidelines, 2015. Collection method: clinical testing. Allele origin: germline.
Comment: The LAMA3 c.41G>A variant is predicted to result in premature protein termination (p.Trp14*). To our knowledge, this variant has not been reported in the literature or in a large population database (gnomAD), indicating this variant is rare. Nonsense variants in LAMA3 are expected to be pathogenic. This variant is interpreted as likely pathogenic.

Literature cited by the submitters: PubMed 10366601 (cited by Labcorp Genetics (formerly Invitae), Labcorp); PubMed 11810295 (cited by Labcorp Genetics (formerly Invitae), Labcorp); PubMed 12915477 (cited by Labcorp Genetics (formerly Invitae), Labcorp); PubMed 16473856 (cited by Labcorp Genetics (formerly Invitae), Labcorp); PubMed 17362460 (cited by Labcorp Genetics (formerly Invitae), Labcorp); PubMed 22434185 (cited by Labcorp Genetics (formerly Invitae), Labcorp); PubMed 23869449 (cited by Labcorp Genetics (formerly Invitae), Labcorp); PubMed 27827380 (cited by Labcorp Genetics (formerly Invitae), Labcorp); PubMed 28087116 (cited by Labcorp Genetics (formerly Invitae), Labcorp).

NM_000227.6(LAMA3):c.41G>A (p.Trp14Ter)

Genes: LAMA3 (laminin subunit alpha 3; plus strand), LOC126862707 (MED14-independent group 3 enhancer GRCh37_chr18:21452354-21453553; plus strand). Cytogenetic location: 18q11.2.
Variant type: single nucleotide variant.
Coding change: c.41G>A on transcript NM_000227.6 (MANE Plus Clinical); coding-DNA position 41, G replaced by A.
Protein change: p.Trp14Ter; replaces tryptophan 14 with a stop codon.
Molecular consequence: nonsense. On other transcripts: intron variant (2).
Genome position (GRCh38, 1-based): chr18:23,873,085, G>A. VCF-style: chr18-23873085-G-A. GRCh37 (hg19) VCF-style: chr18-21453049-G-A.
Other names: c.41G>A (NM_000227.4); c.41G>A, p.Trp14Ter (NM_001127718.4); c.4998+1424G>A (NM_198129.4, NM_001127717.4); short protein forms W14*.
Identifiers: ClinVar variation 4777934 (VCV004777934.2).